The following is an entry in ClinVar:

ClinVar aggregate classification (germline): Uncertain significance (1 of 4 stars; one submission).

Submission:

Dasa
Classification: Uncertain significance. Last evaluated: 2026-07-04. Review status: criteria provided, single submitter. Criteria: DASA Assertion Criteria. Collection method: clinical testing. Allele origin: germline.
Comment: NM_004491.5(ARHGAP35):c.2834A>G (p.Lys945Arg) is a missense variant that results in the substitution of lysine with arginine. This variant is rare in population databases. Computational prediction algorithms are consistent with a benign effect. The currently available literature and clinical evidence are not sufficient to establish a definitive association between this variant and the reported condition. Therefore, this variant is classified as a variant of uncertain significance.

NM_004491.5(ARHGAP35):c.2834A>G (p.Lys945Arg)

Gene: ARHGAP35 (Rho GTPase activating protein 35; plus strand). Cytogenetic location: 19q13.32.
Variant type: single nucleotide variant.
Coding change: c.2834A>G on transcript NM_004491.5 (MANE Select); coding-DNA position 2834, A replaced by G.
Protein change: p.Lys945Arg; replaces lysine 945 with arginine.
Molecular consequence: missense variant.
Genome position (GRCh38, 1-based): chr19:46,921,509, A>G. VCF-style: chr19-46921509-A-G. GRCh37 (hg19) VCF-style: chr19-47424766-A-G.
Other names: short protein forms K945R.
Identifiers: ClinVar variation 5020249 (VCV005020249.1).